The following is an entry in ClinVar:

NM_001367916.1(MAGT1):c.-20T>C

Genes: MAGT1 (magnesium transporter 1; minus strand), LOC130068460 (ATAC-STARR-seq lymphoblastoid active region 29781; plus strand). Cytogenetic location: Xq21.1.
Variant type: single nucleotide variant.
Coding change: c.-20T>C on transcript NM_001367916.1 (MANE Select); 20 bases upstream of the start codon, T replaced by C.
Molecular consequence: 5 prime UTR variant. On other transcripts: missense variant (1).
Genome position (GRCh38, 1-based): chrX:77,895,430, A>G on the plus strand (T>C on the coding strand, the complement: MAGT1 is on the minus strand). VCF-style: chrX-77895430-A-G. GRCh37 (hg19) VCF-style: chrX-77150927-A-G.
Other names: c.77T>C, p.Ile26Thr (NM_032121.5); short protein forms I26T.
Identifiers: ClinVar variation 1369602 (VCV001369602.8), dbSNP rs781800228, ClinGen allele CA10458623.

ClinVar aggregate classification (germline): Uncertain significance. Review status: criteria provided, multiple submitters, no conflicts (2 of 4 stars). 3 submissions from 3 submitters: Uncertain significance (3). Last evaluated 2026-01-05.

Conditions:
X-linked immunodeficiency with magnesium defect, Epstein-Barr virus infection and neoplasia. Identifiers: Orphanet 317476, MedGen C3275445, MONDO:0010455, OMIM 300853.
Congenital disorder of glycosylation, type ICC. Identifiers: MedGen C5231393, MONDO:0026729, OMIM 301031.
Inborn genetic diseases. Identifiers: MedGen C0950123, MeSH D030342.

Allele frequency attached by ClinVar (database versions not stated): gnomAD exomes 0.00001 and 0.00004; ExAC 0.00003; gnomAD 0.00004 and 0.00005; TOPMed 0.00006; 1000 Genomes Project 0.00026; 1000 Genomes Project 30x 0.00042.
gnomAD v4.1: 51 of 1,207,598 alleles (0.0042%); highest among the groups gnomAD compares: Middle Eastern, 0.046%; no homozygotes.

Submissions (3):

Labcorp Genetics (formerly Invitae), Labcorp
Classification: Uncertain significance for X-linked immunodeficiency with magnesium defect, Epstein-Barr virus infection and neoplasia. Last evaluated: 2026-01-05. Review status: criteria provided, single submitter. Criteria: Invitae Variant Classification Sherloc (09022015). Collection method: clinical testing. Allele origin: germline.
Comment: This sequence change replaces isoleucine, which is neutral and non-polar, with threonine, which is neutral and polar, at codon 26 of the MAGT1 protein (p.Ile26Thr). This variant is present in population databases (rs781800228, gnomAD 0.007%). This variant has not been reported in the literature in individuals affected with MAGT1-related conditions. ClinVar contains an entry for this variant (Variation ID: 1369602). An algorithm developed to predict the effect of missense changes on protein structure and function (PolyPhen-2) suggests that this variant is likely to be tolerated. In summary, the available evidence is currently insufficient to determine the role of this variant in disease. Therefore, it has been classified as a Variant of Uncertain Significance.

Fulgent Genetics
Classification: Uncertain significance for X-linked immunodeficiency with magnesium defect, Epstein-Barr virus infection and neoplasia; Congenital disorder of glycosylation, type ICC. Last evaluated: 2024-01-03. Review status: criteria provided, single submitter. Criteria: ACMG Guidelines, 2015. Collection method: clinical testing. Allele origin: germline.

Ambry Genetics
Classification: Uncertain significance for Inborn genetic diseases. Last evaluated: 2021-07-20. Review status: criteria provided, single submitter. Criteria: Ambry Variant Classification Scheme 2023. Collection method: clinical testing. Allele origin: germline.